The following is an entry in ClinVar:

NM_000179.3(MSH6):c.350G>A (p.Gly117Glu)

Gene: MSH6 (mutS homolog 6; plus strand). Cytogenetic location: 2p16.3.
Variant type: single nucleotide variant.
Coding change: c.350G>A on transcript NM_000179.3 (MANE Select); coding-DNA position 350, G replaced by A.
Protein change: p.Gly117Glu; replaces glycine 117 with glutamic acid.
Molecular consequence: missense variant. On other transcripts: 5 prime UTR variant (2), intron variant (1).
Genome position (GRCh38, 1-based): chr2:47,791,016, G>A. VCF-style: chr2-47791016-G-A. GRCh37 (hg19) VCF-style: chr2-48018155-G-A.
Other names: c.-387G>A (NM_001281493.2); c.-553G>A (NM_001281494.2); c.237+7546G>A (NM_001281492.2); short protein forms G117E.
Identifiers: ClinVar variation 1367742 (VCV001367742.13), dbSNP rs1668691850, ClinGen allele CA346736989.

ClinVar aggregate classification (germline): Uncertain significance. Review status: criteria provided, multiple submitters, no conflicts (2 of 4 stars). 3 submissions from 3 submitters: Uncertain significance (3). Last evaluated 2023-02-10.

Conditions:
Hereditary nonpolyposis colorectal neoplasms. Identifiers: MedGen C0009405, MeSH D003123.
Hereditary cancer-predisposing syndrome. Also called: Neoplastic Syndromes, Hereditary; Tumor predisposition; Hereditary neoplastic syndrome; Hereditary Cancer Syndrome. Identifiers: Orphanet 140162, MedGen C0027672, MeSH D009386, MONDO:0015356.
Lynch syndrome. Identifiers: Orphanet 144, MedGen C4552100, MONDO:0005835. Disease mechanism: loss of function.

Submissions (3):

All of Us Research Program, National Institutes of Health
Classification: Uncertain significance for Lynch syndrome. Last evaluated: 2023-02-10. Review status: criteria provided, single submitter. Criteria: ACMG Guidelines, 2015. Collection method: clinical testing. Allele origin: germline. Inheritance: Autosomal dominant inheritance. Observed: 1 variant allele, 1 heterozygote.
Comment: This study involves interpretation of variants in research participants for the purpose of population health screening. Participant phenotype was not available at the time of variant classification. Additional details can be found in publication PMID: 35346344, PMCID: PMC8962531

Labcorp Genetics (formerly Invitae), Labcorp
Classification: Uncertain significance for Hereditary nonpolyposis colorectal neoplasms. Last evaluated: 2022-05-02. Review status: criteria provided, single submitter. Criteria: Invitae Variant Classification Sherloc (09022015). Collection method: clinical testing. Allele origin: germline.
Comment: In summary, the available evidence is currently insufficient to determine the role of this variant in disease. Therefore, it has been classified as a Variant of Uncertain Significance. Advanced modeling of protein sequence and biophysical properties (such as structural, functional, and spatial information, amino acid conservation, physicochemical variation, residue mobility, and thermodynamic stability) performed at Invitae indicates that this missense variant is not expected to disrupt MSH6 protein function. This variant has not been reported in the literature in individuals affected with MSH6-related conditions. This variant is not present in population databases (gnomAD no frequency). This sequence change replaces glycine, which is neutral and non-polar, with glutamic acid, which is acidic and polar, at codon 117 of the MSH6 protein (p.Gly117Glu).

Ambry Genetics
Classification: Uncertain significance for Hereditary cancer-predisposing syndrome. Last evaluated: 2019-10-28. Review status: criteria provided, single submitter. Criteria: Ambry Variant Classification Scheme 2023. Collection method: clinical testing. Allele origin: germline.
Comment: The p.G117E variant (also known as c.350G>A), located in coding exon 2 of the MSH6 gene, results from a G to A substitution at nucleotide position 350. The glycine at codon 117 is replaced by glutamic acid, an amino acid with similar properties. This amino acid position is highly conserved in available vertebrate species. In addition, the in silico prediction for this alteration is inconclusive. Since supporting evidence is limited at this time, the clinical significance of this alteration remains unclear.